The following is an entry in ClinVar:

NM_006947.4(SRP72):c.1531A>T (p.Ser511Cys)

Gene: SRP72 (signal recognition particle 72; plus strand). Cytogenetic location: 4q12.
Variant type: single nucleotide variant.
Coding change: c.1531A>T on transcript NM_006947.4 (MANE Select); coding-DNA position 1531, A replaced by T.
Protein change: p.Ser511Cys; replaces serine 511 with cysteine.
Molecular consequence: missense variant. On other transcripts: non-coding transcript variant (1).
Genome position (GRCh38, 1-based): chr4:56,491,459, A>T. VCF-style: chr4-56491459-A-T. GRCh37 (hg19) VCF-style: chr4-57357625-A-T.
Other names: c.1348A>T, p.Ser450Cys (NM_001267722.2); short protein forms S450C, S511C.
Identifiers: ClinVar variation 3252834 (VCV003252834.3), dbSNP rs764251568.

ClinVar aggregate classification (germline): Uncertain significance. Review status: criteria provided, multiple submitters, no conflicts (2 of 4 stars). 3 submissions from 3 submitters: Uncertain significance (3). Last evaluated 2024-12-07.

gnomAD v4.1: 1 of 1,613,940 alleles (0.000062%); highest among the groups gnomAD compares: Non-Finnish European, 0.000085%; no homozygotes.

Submissions (3):

Ambry Genetics
Classification: Uncertain significance. Last evaluated: 2024-12-07. Review status: criteria provided, single submitter. Criteria: Ambry Variant Classification Scheme 2023. Collection method: clinical testing. Allele origin: germline.
Comment: The p.S511C variant (also known as c.1531A>T), located in coding exon 16 of the SRP72 gene, results from an A to T substitution at nucleotide position 1531. The serine at codon 511 is replaced by cysteine, an amino acid with dissimilar properties. This amino acid position is conserved. In addition, this alteration is predicted to be tolerated by in silico analysis. Based on the available evidence, the clinical significance of this variant remains unclear.

GeneDx
Classification: Uncertain significance. Last evaluated: 2023-12-14. Review status: criteria provided, single submitter. Criteria: GeneDx Variant Classification Process June 2021. Collection method: clinical testing. Allele origin: germline. Affected: yes.
Comment: Not observed at significant frequency in large population cohorts (gnomAD); In silico analysis supports that this missense variant has a deleterious effect on protein structure/function; Has not been previously published as pathogenic or benign to our knowledge

Blueprint Genetics
Classification: Uncertain significance. Last evaluated: 2021-11-10. Review status: criteria provided, single submitter. Criteria: ACMG Guidelines, 2015. Collection method: clinical testing. Allele origin: germline.